The following is an entry in ClinVar:

ClinVar aggregate classification (germline): Conflicting classifications of pathogenicity. Review status: criteria provided, conflicting classifications (1 of 4 stars). 5 submissions from 4 submitters: Uncertain significance (4); Likely benign (1). Last evaluated 2026-01-31.

Conditions:
Hypercholesterolemia, autosomal dominant, type B (FHCL2). Also called: Familial hypercholesterolemia 2; Familial Hypercholesterolemia Type B; APOLIPOPROTEIN B-100, FAMILIAL DEFECTIVE; APOLIPOPROTEIN B-100, FAMILIAL LIGAND-DEFECTIVE; HYPERCHOLESTEROLEMIA, FAMILIAL, DUE TO LIGAND-DEFECTIVE APOLIPOPROTEIN B; APOB-Related Familial Hypercholesterolemia, Autosomal Dominant. Identifiers: MedGen C1704417, MONDO:0007751, OMIM 144010.
Familial hypobetalipoproteinemia 1. Also called: Hypobetalipoproteinemia, normotriglyceridemic; Acanthocytosis with hypobetalipoproteinemia; APOB-Related Familial Hypobetalipoproteinemia. Identifiers: MedGen C4551990, MONDO:0014252, OMIM 615558.
Cardiovascular phenotype. Identifiers: MedGen CN230736.

Allele frequency attached by ClinVar (database versions not stated): gnomAD 0.00001; gnomAD exomes 0.00001; TOPMed 0.00002; ExAC 0.00005; ESP Exome Variant Server 0.00008.

Submissions (5):

Labcorp Genetics (formerly Invitae), Labcorp
Classification: Likely benign for Familial hypobetalipoproteinemia 1; Hypercholesterolemia, autosomal dominant, type B. Last evaluated: 2026-01-31. Review status: criteria provided, single submitter. Criteria: Invitae Variant Classification Sherloc (09022015). Collection method: clinical testing. Allele origin: germline.

Women's Health and Genetics/Laboratory Corporation of America, LabCorp
Classification: Uncertain significance. Last evaluated: 2025-11-12. Review status: criteria provided, single submitter. Criteria: LabCorp Variant Classification Summary - May 2015. Collection method: clinical testing. Allele origin: germline.
Comment: Variant summary: APOB c.2861C>T (p.Pro954Leu) results in a non-conservative amino acid change in the encoded protein sequence. Algorithms developed to predict the effect of missense changes on protein structure and function are either unavailable or do not agree on the potential impact of this missense change. The variant allele was found at a frequency of 4.8e-05 in 251418 control chromosomes. This frequency is not significantly higher than estimated for disease-causing variants in APOB, allowing no conclusion about variant significance. To our knowledge, no occurrence of c.2861C>T in individuals affected with APOB-related conditions and no experimental evidence demonstrating its impact on protein function have been reported. ClinVar contains an entry for this variant (Variation ID: 334162). Based on the evidence outlined above, the variant was classified as uncertain significance.

Ambry Genetics
Classification: Uncertain significance for Cardiovascular phenotype. Last evaluated: 2025-07-29. Review status: criteria provided, single submitter. Criteria: Ambry Variant Classification Scheme 2023. Collection method: clinical testing. Allele origin: germline.
Comment: The p.P954L variant (also known as c.2861C>T), located in coding exon 19 of the APOB gene, results from a C to T substitution at nucleotide position 2861. The proline at codon 954 is replaced by leucine, an amino acid with similar properties. This variant was reported in individual(s) with features consistent with familial hypercholesterolemia (Ambry internal data). This amino acid position is not well conserved in available vertebrate species. In addition, this alteration is predicted to be tolerated by in silico analysis. Based on the available evidence, the clinical significance of this variant remains unclear for autosomal dominant APOB-related familial hypercholesterolemia; however, it is unlikely to be causative of autosomal recessive APOB-related hypobetalipoproteinemia.

Illumina Laboratory Services, Illumina
Classification: Uncertain significance for Familial hypobetalipoproteinemia 1. Last evaluated: 2018-01-13. Review status: criteria provided, single submitter. Criteria: ICSL Variant Classification Criteria 13 December 2019. Collection method: clinical testing. Allele origin: germline.

Illumina Laboratory Services, Illumina
Classification: Uncertain significance for Hypercholesterolemia, autosomal dominant, type B. Last evaluated: 2018-01-13. Review status: criteria provided, single submitter. Criteria: ICSL Variant Classification Criteria 13 December 2019. Collection method: clinical testing. Allele origin: germline.

NM_000384.3(APOB):c.2861C>T (p.Pro954Leu)

Gene: APOB (apolipoprotein B; minus strand). Cytogenetic location: 2p24.1.
Variant type: single nucleotide variant.
Coding change: c.2861C>T on transcript NM_000384.3 (MANE Select); coding-DNA position 2861, C replaced by T.
Protein change: p.Pro954Leu; replaces proline 954 with leucine.
Molecular consequence: missense variant.
Genome position (GRCh38, 1-based): chr2:21,019,861, G>A on the plus strand (C>T on the coding strand, the complement: APOB is on the minus strand). VCF-style: chr2-21019861-G-A. GRCh37 (hg19) VCF-style: chr2-21242733-G-A.
Other names: short protein forms P954L.
Identifiers: ClinVar variation 334162 (VCV000334162.25), dbSNP rs148943299, ClinGen allele CA057418.